The following is an entry in ClinVar:

NM_000890.5(KCNJ5):c.519C>G (p.Ile173Met)

Gene: KCNJ5 (potassium inwardly rectifying channel subfamily J member 5; plus strand). Cytogenetic location: 11q24.3.
Variant type: single nucleotide variant.
Coding change: c.519C>G on transcript NM_000890.5 (MANE Select); coding-DNA position 519, C replaced by G.
Protein change: p.Ile173Met; replaces isoleucine 173 with methionine.
Molecular consequence: missense variant.
Genome position (GRCh38, 1-based): chr11:128,911,792, C>G. VCF-style: chr11-128911792-C-G. GRCh37 (hg19) VCF-style: chr11-128781687-C-G.
Other names: c.519C>G, p.Ile173Met (NM_001354169.2); short protein forms I173M.
Identifiers: ClinVar variation 2734698 (VCV002734698.4), dbSNP rs146970049, ClinGen allele CA383248786.

ClinVar aggregate classification (germline): Uncertain significance. Review status: criteria provided, multiple submitters, no conflicts (2 of 4 stars). 2 submissions from 2 submitters: Uncertain significance (2). Last evaluated 2025-02-13.

Conditions:
KCNJ5-related disorder. Also called: KCNJ5-related condition.
Long QT syndrome (LQTS). Identifiers: MedGen C0023976, MeSH D008133, MONDO:0002442. Disease mechanism: loss of function. Inheritance: Various modes of inheritance.

Allele frequency attached by ClinVar (database versions not stated): TOPMed below 0.00001; gnomAD 0.00001.
gnomAD v4.1: 3 of 1,614,130 alleles (0.00019%); highest among the groups gnomAD compares: Admixed American, 0.0033%; no homozygotes.

Submissions (2):

PreventionGenetics, part of Exact Sciences
Classification: Uncertain significance for KCNJ5-related condition. Last evaluated: 2025-02-13. Review status: criteria provided, single submitter. Criteria: ACMG Guidelines, 2015. Collection method: clinical testing. Allele origin: germline.
Comment: The KCNJ5 c.519C>G variant is predicted to result in the amino acid substitution p.Ile173Met. To our knowledge, this variant has not been reported in the literature. This variant is reported in 0.0029% of alleles in individuals of Latino descent in gnomAD. At this time, the clinical significance of this variant is uncertain due to the absence of conclusive functional and genetic evidence.

Labcorp Genetics (formerly Invitae), Labcorp
Classification: Uncertain significance for Long QT syndrome. Last evaluated: 2023-12-12. Review status: criteria provided, single submitter. Criteria: Invitae Variant Classification Sherloc (09022015). Collection method: clinical testing. Allele origin: germline.
Comment: This sequence change replaces isoleucine, which is neutral and non-polar, with methionine, which is neutral and non-polar, at codon 173 of the KCNJ5 protein (p.Ile173Met). This variant is present in population databases (no rsID available, gnomAD 0.003%). This variant has not been reported in the literature in individuals affected with KCNJ5-related conditions. Advanced modeling of protein sequence and biophysical properties (such as structural, functional, and spatial information, amino acid conservation, physicochemical variation, residue mobility, and thermodynamic stability) performed at Invitae indicates that this missense variant is not expected to disrupt KCNJ5 protein function with a negative predictive value of 80%. In summary, the available evidence is currently insufficient to determine the role of this variant in disease. Therefore, it has been classified as a Variant of Uncertain Significance.